The following is an entry in ClinVar:

ClinVar aggregate classification (germline): Uncertain significance (1 of 4 stars; one submission).

Conditions:
Fanconi anemia (FA). Also called: Fanconi's anemia. Identifiers: Orphanet 84, MedGen C0015625, MeSH D005199, MONDO:0019391.

Allele frequency attached by ClinVar (database versions not stated): gnomAD 0.00001.

Submission:

Labcorp Genetics (formerly Invitae), Labcorp
Classification: Uncertain significance for Fanconi anemia. Last evaluated: 2021-08-13. Review status: criteria provided, single submitter. Criteria: Invitae Variant Classification Sherloc (09022015). Collection method: clinical testing. Allele origin: germline.
Comment: This sequence change replaces valine with leucine at codon 273 of the FANCF protein (p.Val273Leu). The valine residue is weakly conserved and there is a small physicochemical difference between valine and leucine. This variant is not present in population databases (ExAC no frequency). This variant has not been reported in the literature in individuals affected with FANCF-related conditions. Algorithms developed to predict the effect of missense changes on protein structure and function (SIFT, PolyPhen-2, Align-GVGD) all suggest that this variant is likely to be tolerated. In summary, the available evidence is currently insufficient to determine the role of this variant in disease. Therefore, it has been classified as a Variant of Uncertain Significance.

NM_022725.4(FANCF):c.817G>C (p.Val273Leu)

Gene: FANCF (FA complementation group F; minus strand). Cytogenetic location: 11p14.3.
Variant type: single nucleotide variant.
Coding change: c.817G>C on transcript NM_022725.4 (MANE Select); coding-DNA position 817, G replaced by C.
Protein change: p.Val273Leu; replaces valine 273 with leucine.
Molecular consequence: missense variant.
Genome position (GRCh38, 1-based): chr11:22,624,994, C>G on the plus strand (G>C on the coding strand, the complement: FANCF is on the minus strand). VCF-style: chr11-22624994-C-G. GRCh37 (hg19) VCF-style: chr11-22646540-C-G.
Other names: short protein forms V273L.
Identifiers: ClinVar variation 1364203 (VCV001364203.5), dbSNP rs1858619819, ClinGen allele CA380058271.